The following is an entry in ClinVar:

ClinVar aggregate classification (germline): Uncertain significance (1 of 4 stars; one submission).

Submission:

Mayo Clinic Laboratories, Mayo Clinic
Classification: Uncertain significance. Last evaluated: 2025-12-11. Review status: criteria provided, single submitter. Criteria: ACMG Guidelines, 2015. Collection method: clinical testing. Allele origin: germline. Observed: 1 variant allele.
Comment: PM2_supporting

NM_015046.7(SETX):c.3136C>A (p.Pro1046Thr)

Gene: SETX (senataxin; minus strand). Cytogenetic location: 9q34.13.
Variant type: single nucleotide variant.
Coding change: c.3136C>A on transcript NM_015046.7 (MANE Select); coding-DNA position 3136, C replaced by A.
Protein change: p.Pro1046Thr; replaces proline 1046 with threonine.
Molecular consequence: missense variant.
Genome position (GRCh38, 1-based): chr9:132,328,462, G>T on the plus strand (C>A on the coding strand, the complement: SETX is on the minus strand). VCF-style: chr9-132328462-G-T. GRCh37 (hg19) VCF-style: chr9-135203849-G-T.
Other names: p.Pro1046Thr; c.3136C>A, p.Pro1046Thr (NM_001351527.2, NM_001351528.2); short protein forms P1046T.
Identifiers: ClinVar variation 4541489 (VCV004541489.1).